The following is an entry in ClinVar:

ClinVar aggregate classification (germline): Conflicting classifications of pathogenicity. Review status: criteria provided, conflicting classifications (1 of 4 stars). 2 submissions from 2 submitters: Likely pathogenic (1); Uncertain significance (1). Last evaluated 2026-03-13.

Conditions:
Autistic behavior. Identifiers: MedGen C0856975, HP:0000729.
Atypical behavior. Also called: Behavioral disorders; Behavioral abnormality. Identifiers: MedGen C0004941, HP:0000708.
Global developmental delay (DD). Also called: Cognitive delay. Identifiers: MedGen C0557874, HP:0001263. Disease mechanism: loss of function.

Submissions (2):

Dasa
Classification: Likely pathogenic. Last evaluated: 2026-03-13. Review status: criteria provided, single submitter. Criteria: DASA Assertion Criteria. Collection method: clinical testing. Allele origin: germline.
Comment: NM_001162501.2(TNRC6B):c.3964C>T (p.Gln1322*) is a nonsense variant in TNRC6B predicted to introduce a premature termination codon and is predicted to result in an absent or altered protein product. Loss of function is an established disease mechanism for TNRC6B (PMID: 25284784; PMID: 25363768; PMID: 27479843). Also, this variant is absent from population databases. Based on the currently available evidence, this variant is classified as likely pathogenic.

Baylor Genetics
Classification: Uncertain significance for Global developmental delay; Autistic behavior; Atypical behavior. Last evaluated: 2019-01-04. Review status: criteria provided, single submitter. Criteria: ACMG Guidelines, 2015. Collection method: clinical testing. Allele origin: paternal. Inheritance: Autosomal dominant inheritance. Affected: yes. Observed: 1 heterozygote.

Literature cited by the submitters: PubMed 25284784 (cited by Dasa); PubMed 25363768 (cited by Dasa); PubMed 27479843 (cited by Dasa).

NM_001162501.2(TNRC6B):c.3964C>T (p.Gln1322Ter)

Gene: TNRC6B (trinucleotide repeat containing adaptor 6B; plus strand). Cytogenetic location: 22q13.1.
Variant type: single nucleotide variant.
Coding change: c.3964C>T on transcript NM_001162501.2 (MANE Select); coding-DNA position 3964, C replaced by T.
Protein change: p.Gln1322Ter; replaces glutamine 1322 with a stop codon.
Molecular consequence: nonsense.
Genome position (GRCh38, 1-based): chr22:40,301,177, C>T. VCF-style: chr22-40301177-C-T. GRCh37 (hg19) VCF-style: chr22-40697181-C-T.
Other names: c.1552C>T, p.Gln518Ter (NM_001024843.2); c.3634C>T, p.Gln1212Ter (NM_015088.3); short protein forms Q1212*, Q1322*, Q518*.
Identifiers: ClinVar variation 638263 (VCV000638263.5), dbSNP rs1601505061, ClinGen allele CA411662914.
Genomic context (GRCh38, chr22:40,301,177, plus strand): 5'-GCTTATCACGTGTCTGTCTCTCTTGGCCCTCAGCTGGCTCGAATGGTGAGTGCACTGCAG[C>T]AGCAGCAGCAGCAGCAGCAGAGGCAGCCAGGCATGAAGCACTCGCCCTCTCATCCTGTTG-3'